The following is an entry in ClinVar:

ClinVar aggregate classification (germline): Uncertain significance. Review status: criteria provided, multiple submitters, no conflicts (2 of 4 stars). 3 submissions from 3 submitters: Uncertain significance (3). Last evaluated 2026-02-11.

Conditions:
Inborn genetic diseases. Identifiers: MedGen C0950123, MeSH D030342.
Generalized epilepsy with febrile seizures plus, type 9 (GEFSP9). Also called: GEFS+, TYPE 9. Identifiers: Orphanet 36387, MedGen C4015395, MONDO:0014517, OMIM 616172.

Allele frequency attached by ClinVar (database versions not stated): gnomAD exomes below 0.00001; ExAC 0.00001; gnomAD 0.00001; TOPMed 0.00001.

Submissions (3):

GeneDx
Classification: Uncertain significance. Last evaluated: 2026-02-11. Review status: criteria provided, single submitter. Criteria: GeneDx Variant Classification Process June 2021. Collection method: clinical testing. Allele origin: germline.
Comment: Not observed at significant frequency in large population cohorts (gnomAD); In silico analysis suggests that this missense variant does not alter protein structure/function; Has not been previously published as pathogenic or benign to our knowledge

Labcorp Genetics (formerly Invitae), Labcorp
Classification: Uncertain significance for Generalized epilepsy with febrile seizures plus, type 9. Last evaluated: 2024-07-15. Review status: criteria provided, single submitter. Criteria: Invitae Variant Classification Sherloc (09022015). Collection method: clinical testing. Allele origin: germline.
Comment: This sequence change replaces serine, which is neutral and polar, with threonine, which is neutral and polar, at codon 98 of the STX1B protein (p.Ser98Thr). The frequency data for this variant in the population databases is considered unreliable, as metrics indicate poor data quality at this position in the gnomAD database. This variant has not been reported in the literature in individuals affected with STX1B-related conditions. Advanced modeling of protein sequence and biophysical properties (such as structural, functional, and spatial information, amino acid conservation, physicochemical variation, residue mobility, and thermodynamic stability) performed at Invitae indicates that this missense variant is not expected to disrupt STX1B protein function with a negative predictive value of 80%. In summary, the available evidence is currently insufficient to determine the role of this variant in disease. Therefore, it has been classified as a Variant of Uncertain Significance.

Ambry Genetics
Classification: Uncertain significance for Inborn genetic diseases. Last evaluated: 2024-01-09. Review status: criteria provided, single submitter. Criteria: Ambry Variant Classification Scheme 2023. Collection method: clinical testing. Allele origin: germline.

NM_052874.5(STX1B):c.293G>C (p.Ser98Thr)

Gene: STX1B (syntaxin 1B; minus strand). Cytogenetic location: 16p11.2.
Variant type: single nucleotide variant.
Coding change: c.293G>C on transcript NM_052874.5 (MANE Select); coding-DNA position 293, G replaced by C.
Protein change: p.Ser98Thr; replaces serine 98 with threonine.
Molecular consequence: missense variant.
Genome position (GRCh38, 1-based): chr16:30,997,563, C>G on the plus strand (G>C on the coding strand, the complement: STX1B is on the minus strand). VCF-style: chr16-30997563-C-G. GRCh37 (hg19) VCF-style: chr16-31008884-C-G.
Other names: short protein forms S98T.
Identifiers: ClinVar variation 3171753 (VCV003171753.5), dbSNP rs781210585, ClinGen allele CA8018412.
Genomic context (GRCh38, chr16:30,997,563, plus strand): 5'-TGGGTCTTGCGGATGCGCAGGTCCGCGGAGGAACGGTTCAGCCCCTCCTCCTGTTCAATG[C>G]TTTGCTCGATCGCTGCGGGAGAGAGGGCGCAGCGATGGGCGGGAGACCCGGGGCACATGG-3'
Protein context (NP_443106.1, residues 88-108): VRSKLKAIEQ[Ser98Thr]IEQEEGLNRS